The following is an entry in ClinVar:

ClinVar aggregate classification (germline): Uncertain significance (1 of 4 stars; one submission).

Allele frequency attached by ClinVar (database versions not stated): gnomAD exomes below 0.00001; ExAC 0.00001.
gnomAD v4.1: 1 of 1,600,860 alleles (0.000062%); highest among the groups gnomAD compares: South Asian, 0.0011%; no homozygotes.

Submission:

CeGaT Center for Human Genetics Tuebingen
Classification: Uncertain significance. Last evaluated: 2023-03-01. Review status: criteria provided, single submitter. Criteria: CeGaT Center For Human Genetics Tuebingen Variant Classification Criteria Version 2. Collection method: clinical testing. Allele origin: germline. Affected: yes. Observed: 2 variant alleles.
Comment: COL25A1: PM2, PM3, PP4

NM_198721.4(COL25A1):c.367+4A>G

Gene: COL25A1 (collagen type XXV alpha 1 chain; minus strand). Cytogenetic location: 4q25.
Variant type: single nucleotide variant.
Coding change: c.367+4A>G on transcript NM_198721.4 (MANE Select); 4 bases into the intron after coding-DNA position 367, A replaced by G.
Molecular consequence: intron variant.
Genome position (GRCh38, 1-based): chr4:109,300,579, T>C on the plus strand (A>G on the coding strand, the complement: COL25A1 is on the minus strand). VCF-style: chr4-109300579-T-C. GRCh37 (hg19) VCF-style: chr4-110221735-T-C.
Other names: c.367+4A>G (NM_032518.4, NM_001256074.3).
Identifiers: ClinVar variation 2498959 (VCV002498959.28), dbSNP rs761905676, ClinGen allele CA3039925.